The following is an entry in ClinVar:

ClinVar aggregate classification (germline): Conflicting classifications of pathogenicity. Review status: criteria provided, conflicting classifications (1 of 4 stars). 6 submissions from 6 submitters: Uncertain significance (1); Likely benign (4). 1 of the submissions does not count toward it. Last evaluated 2025-10-13.

Conditions:
Fanconi anemia (FA). Also called: Fanconi's anemia. Identifiers: Orphanet 84, MedGen C0015625, MeSH D005199, MONDO:0019391.
Fanconi anemia complementation group C (FANCC). Also called: FANCONI PANCYTOPENIA, TYPE 3; FACC; Fanconi anemia, group C; FANCC-Related Fanconi Anemia. Identifiers: Orphanet 84, MedGen C3468041, MONDO:0009213, OMIM 227645.

Submissions (6):

Labcorp Genetics (formerly Invitae), Labcorp
Classification: Likely benign for Fanconi anemia. Last evaluated: 2025-10-13. Review status: criteria provided, single submitter. Criteria: Invitae Variant Classification Sherloc (09022015). Collection method: clinical testing. Allele origin: germline.

Women's Health and Genetics/Laboratory Corporation of America, LabCorp
Classification: Likely benign. Last evaluated: 2025-04-24. Review status: criteria provided, single submitter. Criteria: LabCorp Variant Classification Summary - May 2015. Collection method: clinical testing. Allele origin: germline.
Comment: Variant summary: FANCC c.1534-5delT alters a non-conserved nucleotide located at a position not widely known to affect splicing. Consensus agreement among computation tools predict no significant impact on normal splicing. However, these predictions have yet to be confirmed by functional studies. The variant allele was found at a frequency of 4.8e-05 in 250192 control chromosomes, predominantly at a frequency of 0.00035 within the Latino subpopulation in the gnomAD database. This frequency is not significantly higher than estimated for a pathogenic variant in FANCC causing Fanconi Anemia Group C (4.8e-05 vs 0.0018), allowing no conclusion about variant significance. To our knowledge, no occurrence of c.1534-5delT in individuals affected with Fanconi Anemia Group C and no experimental evidence demonstrating its impact on protein function have been reported. ClinVar contains an entry for this variant (Variation ID: 415742). Based on the evidence outlined above, the variant was classified as likely benign.

Fulgent Genetics
Classification: Likely benign for Fanconi anemia complementation group C. Last evaluated: 2024-06-21. Review status: criteria provided, single submitter. Criteria: ACMG Guidelines, 2015. Collection method: clinical testing. Allele origin: germline.

GeneDx
Classification: Likely benign. Last evaluated: 2024-02-24. Review status: criteria provided, single submitter. Criteria: GeneDx Variant Classification Process June 2021. Collection method: clinical testing. Allele origin: germline. Affected: yes.
Comment: See Variant Classification Assertion Criteria.

Quest Diagnostics Nichols Institute San Juan Capistrano
Classification: Uncertain significance. Last evaluated: 2022-12-24. Review status: criteria provided, single submitter. Criteria: Quest Diagnostics criteria. Collection method: clinical testing. Allele origin: unknown.
Comment: To the best of our knowledge, the variant has not been reported in the published literature. The frequency of this variant in the general population, 0.00037 (13/35416 chromosomes in Latino/Admixed American subpopulation), is higher than would generally be expected for pathogenic variants in this gene. Analysis of this variant using software algorithms for the prediction of the effect of nucleotide changes on FANCC mRNA splicing yielded inconclusive findings. Based on the available information, we are unable to determine the clinical significance of this variant.

Natera, Inc.
Classification: Likely benign for Fanconi anemia, group C. Last evaluated: 2020-09-16. Review status: no assertion criteria provided. Collection method: clinical testing. Allele origin: germline. Not counted in ClinVar's aggregate classification.

NM_000136.3(FANCC):c.1534-5del

Genes: FANCC (FA complementation group C; minus strand), AOPEP (aminopeptidase O (putative); plus strand). Cytogenetic location: 9q22.32.
Variant type: Deletion.
Coding change: c.1534-5del on transcript NM_000136.3 (MANE Select); 5 bases into the intron before coding-DNA position 1534, one base deleted (T; older notation c.1534-5delT).
Molecular consequence: intron variant.
Genome position (GRCh38, 1-based): chr9:95,101,855, A deleted on the plus strand (T on the coding strand, the reverse complement: FANCC is on the minus strand); the first of 2 consecutive A bases (chr9:95,101,855-95,101,856); deleting either gives the same sequence. VCF-style (leftmost placement, unchanged base first): chr9-95101854-CA-C. GRCh37 (hg19) VCF-style: chr9-97864136-CA-C.
Other names: c.1534-5delT (NM_000136.3); c.1534-5del (NM_001243743.2, NM_000136.2).
Identifiers: ClinVar variation 415742 (VCV000415742.20), dbSNP rs748342368, ClinGen allele CA5137301.
Genomic context (GRCh38, chr9:95,101,854, plus strand): 5'-CAAGGTCTGGTCAAGAAAGCCAATGATCTCGTGAGTTATCTCAGCAGTGTGAGCCATCTG[CA>C]ATCAGGACAGAAGAGAAGGCAAATTAAAACACTTTCCAGACAGATTTGTCCTTTGTCCAG-3'